The following is an entry in ClinVar:

NM_133497.4(KCNV2):c.1357-3C>T

Gene: KCNV2 (potassium voltage-gated channel modifier subfamily V member 2; plus strand). Cytogenetic location: 9p24.2.
Variant type: single nucleotide variant.
Coding change: c.1357-3C>T on transcript NM_133497.4 (MANE Select); 3 bases into the intron before coding-DNA position 1357, C replaced by T.
Molecular consequence: intron variant.
Genome position (GRCh38, 1-based): chr9:2,729,443, C>T. VCF-style: chr9-2729443-C-T. GRCh37 (hg19) VCF-style: chr9-2729443-C-T.
Identifiers: ClinVar variation 855325 (VCV000855325.9), dbSNP rs1041090491, ClinGen allele CA187989932.
Genomic context (GRCh38, chr9:2,729,443, plus strand): 5'-TCCCTTTCTTCTCCTCCCCGATCTTAGTGCTAACAATTCCATCCTGCTTTCCTTCCTCTA[C>T]AGGTGAGCATCTCCACCGTGGGCTACGGAGACATGTACCCAGAGACCCACCTGGGCAGGT-3'

ClinVar aggregate classification (germline): Uncertain significance (1 of 4 stars; one submission).

Allele frequency attached by ClinVar (database versions not stated): gnomAD exomes below 0.00001; gnomAD 0.00001; TOPMed 0.00003.
gnomAD v4.1: 2 of 1,613,182 alleles (0.00012%); highest among the groups gnomAD compares: African/African-American, 0.0013%; no homozygotes.

Submission:

Labcorp Genetics (formerly Invitae), Labcorp
Classification: Uncertain significance. Last evaluated: 2022-07-12. Review status: criteria provided, single submitter. Criteria: Invitae Variant Classification Sherloc (09022015). Collection method: clinical testing. Allele origin: germline.
Comment: This sequence change falls in intron 1 of the KCNV2 gene. It does not directly change the encoded amino acid sequence of the KCNV2 protein. It affects a nucleotide within the consensus splice site. This variant is present in population databases (no rsID available, gnomAD 0.0009%). This variant has not been reported in the literature in individuals affected with KCNV2-related conditions. ClinVar contains an entry for this variant (Variation ID: 855325). Variants that disrupt the consensus splice site are a relatively common cause of aberrant splicing (PMID: 17576681, 9536098). Algorithms developed to predict the effect of sequence changes on RNA splicing suggest that this variant is not likely to affect RNA splicing. In summary, the available evidence is currently insufficient to determine the role of this variant in disease. Therefore, it has been classified as a Variant of Uncertain Significance.

Literature cited by the submitters: PubMed 17576681; PubMed 9536098.